The following is an entry in ClinVar:

NM_005609.4(PYGM):c.981_982delinsTGTAAGA (p.Asp328fs)

Gene: PYGM (glycogen phosphorylase, muscle associated; minus strand). Cytogenetic location: 11q13.1.
Variant type: Indel.
Coding change: c.981_982delinsTGTAAGA on transcript NM_005609.4 (MANE Select); coding-DNA positions 981 to 982, CG replaced by TGTAAGA.
Protein change: p.Asp328fs; shifts the reading frame from aspartic acid 328.
Molecular consequence: frameshift variant.
Genome position (GRCh38, 1-based): chr11:64,754,710-64,754,711, CG replaced by TCTTACA on the plus strand (CG replaced by TGTAAGA on the coding strand, the reverse complement: PYGM is on the minus strand). VCF-style: chr11-64754710-CG-TCTTACA. GRCh37 (hg19) VCF-style: chr11-64522182-CG-TCTTACA.
Other names: c.717_718delinsTGTAAGA, p.Asp240fs (NM_001164716.1); short protein forms D240fs, D328fs.
Identifiers: ClinVar variation 5010906 (VCV005010906.1).

ClinVar aggregate classification (germline): Pathogenic (1 of 4 stars; one submission).

Conditions:
Glycogen storage disease, type V (GSD5). Also called: MCARDLE DISEASE; MUSCLE GLYCOGEN PHOSPHORYLASE DEFICIENCY; MYOPHOSPHORYLASE DEFICIENCY; PYGM DEFICIENCY; McArdle type glycogen storage disease. Identifiers: Orphanet 368, MedGen C0017924, MONDO:0009293, OMIM 232600.

Submission:

Myriad Genetics, Inc.
Classification: Pathogenic for Glycogen storage disease, type V. Last evaluated: 2024-05-14. Review status: criteria provided, single submitter. Criteria: Myriad Autosomal Dominant, Autosomal Recessive and X-Linked Classification Criteria (2023). Collection method: clinical testing. Allele origin: unknown.
Comment: NM_005609.2(PYGM):c.981_982del2ins7(D328Vfs*25) is expected to be pathogenic in the context of glycogen storage disease, PYGM-related. This variant is predicted to lead to an abnormal or absent protein product due to the creation of a premature termination codon in PYGM, a gene where loss-of-function variants are known to be pathogenic. Please note: this variant was assessed in the context of healthy population screening.